The following is an entry in ClinVar:

ClinVar aggregate classification (germline): Uncertain significance (1 of 4 stars; one submission).

Conditions:
Combined immunodeficiency due to LRBA deficiency. Also called: Common variable immunodeficiency 8, with autoimmunity. Identifiers: Orphanet 445018, MedGen C3553512, MONDO:0013863, OMIM 614700.

Allele frequency attached by ClinVar (database versions not stated): gnomAD exomes below 0.00001.
gnomAD v4.1: 4 of 1,613,026 alleles (0.00025%); highest among the groups gnomAD compares: Middle Eastern, 0.017%; no homozygotes.

Submission:

Labcorp Genetics (formerly Invitae), Labcorp
Classification: Uncertain significance for Combined immunodeficiency due to LRBA deficiency. Last evaluated: 2020-11-16. Review status: criteria provided, single submitter. Criteria: Invitae Variant Classification Sherloc (09022015). Collection method: clinical testing. Allele origin: germline.
Comment: This variant is not present in population databases (ExAC no frequency). This sequence change replaces tyrosine with cysteine at codon 327 of the LRBA protein (p.Tyr327Cys). The tyrosine residue is weakly conserved and there is a large physicochemical difference between tyrosine and cysteine. In summary, the available evidence is currently insufficient to determine the role of this variant in disease. Therefore, it has been classified as a Variant of Uncertain Significance. Algorithms developed to predict the effect of missense changes on protein structure and function are either unavailable or do not agree on the potential impact of this missense change (SIFT: "Tolerated"; PolyPhen-2: "Probably Damaging"; Align-GVGD: "Class C0"). This variant has not been reported in the literature in individuals with LRBA-related conditions.

NM_001364905.1(LRBA):c.980A>G (p.Tyr327Cys)

Gene: LRBA (LPS responsive beige-like anchor protein; minus strand). Cytogenetic location: 4q31.3.
Variant type: single nucleotide variant.
Coding change: c.980A>G on transcript NM_001364905.1 (MANE Select); coding-DNA position 980, A replaced by G.
Protein change: p.Tyr327Cys; replaces tyrosine 327 with cysteine.
Molecular consequence: missense variant.
Genome position (GRCh38, 1-based): chr4:150,915,642, T>C on the plus strand (A>G on the coding strand, the complement: LRBA is on the minus strand). VCF-style: chr4-150915642-T-C. GRCh37 (hg19) VCF-style: chr4-151836794-T-C.
Other names: c.980A>G, p.Tyr327Cys (NM_001199282.3, NM_001367550.1, NM_006726.5); short protein forms Y327C.
Identifiers: ClinVar variation 1412306 (VCV001412306.8), dbSNP rs1732498584, ClinGen allele CA358435896.